The following is an entry in ClinVar:

NM_001004334.4(GPR179):c.751G>A (p.Ala251Thr)

Gene: GPR179 (G protein-coupled receptor 179; minus strand). Cytogenetic location: 17q12.
Variant type: single nucleotide variant.
Coding change: c.751G>A on transcript NM_001004334.4 (MANE Select); coding-DNA position 751, G replaced by A.
Protein change: p.Ala251Thr; replaces alanine 251 with threonine.
Molecular consequence: missense variant.
Genome position (GRCh38, 1-based): chr17:38,343,039, C>T on the plus strand (G>A on the coding strand, the complement: GPR179 is on the minus strand). VCF-style: chr17-38343039-C-T. GRCh37 (hg19) VCF-style: chr17-36498922-C-T.
Other names: c.751G>A (NM_001004334.2); short protein forms A251T.
Identifiers: ClinVar variation 1913852 (VCV001913852.7), dbSNP rs185524382, ClinGen allele CA290111343.

ClinVar aggregate classification (germline): Uncertain significance. Review status: criteria provided, multiple submitters, no conflicts (2 of 4 stars). 2 submissions from 2 submitters: Uncertain significance (2). Last evaluated 2023-04-06.

Conditions:
Inborn genetic diseases. Identifiers: MedGen C0950123, MeSH D030342.

Allele frequency attached by ClinVar (database versions not stated): TOPMed 0.00001; gnomAD 0.00002; gnomAD exomes 0.00004; ExAC 0.00006; 1000 Genomes Project 30x 0.00016; 1000 Genomes Project 0.00020.
gnomAD v4.1: 55 of 1,613,194 alleles (0.0034%); highest among the groups gnomAD compares: Non-Finnish European, 0.0047%; no homozygotes.

Submissions (2):

Ambry Genetics
Classification: Uncertain significance for Inborn genetic diseases. Last evaluated: 2023-04-06. Review status: criteria provided, single submitter. Criteria: Ambry Variant Classification Scheme 2023. Collection method: clinical testing. Allele origin: germline.

Labcorp Genetics (formerly Invitae), Labcorp
Classification: Uncertain significance. Last evaluated: 2022-02-22. Review status: criteria provided, single submitter. Criteria: Invitae Variant Classification Sherloc (09022015). Collection method: clinical testing. Allele origin: germline.
Comment: In summary, the available evidence is currently insufficient to determine the role of this variant in disease. Therefore, it has been classified as a Variant of Uncertain Significance. Algorithms developed to predict the effect of missense changes on protein structure and function output the following: SIFT: "Tolerated"; PolyPhen-2: "Benign"; Align-GVGD: "Class C0". The threonine amino acid residue is found in multiple mammalian species, which suggests that this missense change does not adversely affect protein function. This variant has not been reported in the literature in individuals affected with GPR179-related conditions. This variant is present in population databases (rs185524382, gnomAD 0.007%). This sequence change replaces alanine, which is neutral and non-polar, with threonine, which is neutral and polar, at codon 251 of the GPR179 protein (p.Ala251Thr).